The following is an entry in ClinVar:

ClinVar aggregate classification (germline): Uncertain significance (1 of 4 stars; one submission).

Conditions:
NRP1-related disorder. Also called: NRP1-related condition.

Allele frequency attached by ClinVar (database versions not stated): ExAC 0.00007; TOPMed 0.00013; gnomAD 0.00015; ESP Exome Variant Server 0.00023.
gnomAD v4.1: 359 of 1,613,906 alleles (0.022%); highest among the groups gnomAD compares: Non-Finnish European, 0.028%; no homozygotes.

Submission:

PreventionGenetics, part of Exact Sciences
Classification: Uncertain significance for NRP1-related condition. Last evaluated: 2026-07-12. Review status: criteria provided, single submitter. Criteria: ACMG Guidelines, 2015. Collection method: clinical testing. Allele origin: germline.
Comment: The NRP1 c.620G>A variant is predicted to result in the amino acid substitution p.Arg207His. This variant has been reported in an individual with Kallmann syndrome (Marcos et al. 2017. PubMed ID: 28334861). This variant is reported in 0.018% of alleles in individuals of European (Non-Finnish) descent in gnomAD. Although we suspect that this variant may be benign, at this time, the clinical significance of this variant is uncertain due to the absence of conclusive functional and genetic evidence.

NM_003873.7(NRP1):c.620G>A (p.Arg207His)

Gene: NRP1 (neuropilin 1; minus strand). Cytogenetic location: 10p11.22.
Variant type: single nucleotide variant.
Coding change: c.620G>A on transcript NM_003873.7 (MANE Select); coding-DNA position 620, G replaced by A.
Protein change: p.Arg207His; replaces arginine 207 with histidine.
Molecular consequence: missense variant. On other transcripts: non-coding transcript variant (1).
Genome position (GRCh38, 1-based): chr10:33,263,684, C>T on the plus strand (G>A on the coding strand, the complement: NRP1 is on the minus strand). VCF-style: chr10-33263684-C-T. GRCh37 (hg19) VCF-style: chr10-33552612-C-T.
Other names: c.620G>A, p.Arg207His (NM_001024628.3, NM_001024629.3, NM_001244972.2 and 2 more transcripts); short protein forms R207H.
Identifiers: ClinVar variation 3032725 (VCV003032725.3), dbSNP rs148308681, ClinGen allele CA5466920.